The following is an entry in ClinVar:

NM_015346.4(ZFYVE26):c.5690C>A (p.Ser1897Ter)

Gene: ZFYVE26 (zinc finger FYVE-type containing 26; minus strand). Cytogenetic location: 14q24.1.
Variant type: single nucleotide variant.
Coding change: c.5690C>A on transcript NM_015346.4 (MANE Select); coding-DNA position 5690, C replaced by A.
Protein change: p.Ser1897Ter; replaces serine 1897 with a stop codon.
Molecular consequence: nonsense.
Genome position (GRCh38, 1-based): chr14:67,767,804, G>T on the plus strand (C>A on the coding strand, the complement: ZFYVE26 is on the minus strand). VCF-style: chr14-67767804-G-T. GRCh37 (hg19) VCF-style: chr14-68234521-G-T.
Other names: short protein forms S1897*.
Identifiers: ClinVar variation 1725288 (VCV001725288.5), dbSNP rs752859634, ClinGen allele CA390166565.

ClinVar aggregate classification (germline): Pathogenic/Likely pathogenic. Review status: criteria provided, multiple submitters, no conflicts (2 of 4 stars). 2 submissions from 2 submitters: Pathogenic (1); Likely pathogenic (1). Last evaluated 2023-01-03.

Conditions:
Spastic paraplegia. Identifiers: MedGen C0037772, HP:0001258.
Hereditary spastic paraplegia 15 (SPG15). Also called: SPASTIC PARAPLEGIA 15, AUTOSOMAL RECESSIVE; KJELLIN SYNDROME; SPASTIC PARAPLEGIA AND RETINAL DEGENERATION. Identifiers: Orphanet 100996, MedGen C1849128, MONDO:0010044, OMIM 270700.

Submissions (2):

Labcorp Genetics (formerly Invitae), Labcorp
Classification: Pathogenic for Spastic paraplegia. Last evaluated: 2023-01-03. Review status: criteria provided, single submitter. Criteria: Invitae Variant Classification Sherloc (09022015). Collection method: clinical testing. Allele origin: germline.
Comment: For these reasons, this variant has been classified as Pathogenic. ClinVar contains an entry for this variant (Variation ID: 1725288). This variant has not been reported in the literature in individuals affected with ZFYVE26-related conditions. This variant is not present in population databases (gnomAD no frequency). This sequence change creates a premature translational stop signal (p.Ser1897*) in the ZFYVE26 gene. It is expected to result in an absent or disrupted protein product. Loss-of-function variants in ZFYVE26 are known to be pathogenic (PMID: 18394578, 19805727).

Myriad Genetics, Inc.
Classification: Likely pathogenic for Hereditary spastic paraplegia 15. Last evaluated: 2022-03-15. Review status: criteria provided, single submitter. Criteria: Myriad Women's Health Autosomal Recessive and X-Linked Classification Criteria (2021). Collection method: clinical testing. Allele origin: unknown.
Comment: NM_015346.3(ZFYVE26):c.5690C>A(S1897*) is expected to be pathogenic in the context of spastic paraplegia type 15. This variant is predicted to lead to an abnormal or absent protein product due to the creation of a premature termination codon in ZFYVE26, a gene where loss-of-function variants are known to be pathogenic. Please note: this variant was assessed in the context of healthy population screening.

Literature cited by the submitters: PubMed 18394578 (cited by Labcorp Genetics (formerly Invitae), Labcorp); PubMed 19805727 (cited by Labcorp Genetics (formerly Invitae), Labcorp).